The following is an entry in ClinVar:

NM_005732.4(RAD50):c.366G>T (p.Lys122Asn)

Gene: RAD50 (RAD50 double strand break repair protein; plus strand). Cytogenetic location: 5q31.1.
Variant type: single nucleotide variant.
Coding change: c.366G>T on transcript NM_005732.4 (MANE Select); coding-DNA position 366, G replaced by T.
Protein change: p.Lys122Asn; replaces lysine 122 with asparagine.
Molecular consequence: missense variant.
Genome position (GRCh38, 1-based): chr5:132,579,317, G>T. VCF-style: chr5-132579317-G-T. GRCh37 (hg19) VCF-style: chr5-131915009-G-T.
Other names: short protein forms K122N.
Identifiers: ClinVar variation 484644 (VCV000484644.5), dbSNP rs587782384, ClinGen allele CA3404978.
Genomic context (GRCh38, chr5:132,579,317, plus strand): 5'-CAATAGAATAGATACACTGAAGGTTATTTTACATATATTCTTGATTTTCATTTTCTGTAG[G>T]CATGGTGAAAAGGTCAGTCTGAGCTCTAAGTGTGCAGAAATTGACCGAGAAATGATCAGT-3'
Protein context (NP_005723.2, residues 112-132): KTLEGVITRT[Lys122Asn]HGEKVSLSSK

ClinVar aggregate classification (germline): Uncertain significance (1 of 4 stars; one submission).

Conditions:
Hereditary cancer-predisposing syndrome. Also called: Neoplastic Syndromes, Hereditary; Tumor predisposition; Hereditary Cancer Syndrome; Hereditary neoplastic syndrome. Identifiers: Orphanet 140162, MedGen C0027672, MeSH D009386, MONDO:0015356.

gnomAD v4.1: 1 of 1,613,264 alleles (0.000062%); highest among the groups gnomAD compares: Non-Finnish European, 0.000085%; no homozygotes.

Submission:

Ambry Genetics
Classification: Uncertain significance for Hereditary cancer-predisposing syndrome. Last evaluated: 2016-05-10. Review status: criteria provided, single submitter. Criteria: Ambry Variant Classification Scheme 2023. Collection method: clinical testing. Allele origin: germline.
Comment: The p.K122N variant (also known as c.366G>T), located in coding exon 4 of the RAD50 gene, results from a G to T substitution at nucleotide position 366. The lysine at codon 122 is replaced by asparagine, an amino acid with similar properties. This change occurs in the first base pair of coding exon 4. This amino acid position is highly conserved in available vertebrate species. In addition, this alteration is predicted to be tolerated by in silico analysis. Since supporting evidence is limited at this time, the clinical significance of this alteration remains unclear.